The following is an entry in ClinVar:

NM_001394062.1(MACF1):c.21652A>G (p.Thr7218Ala)

Gene: MACF1 (microtubule actin crosslinking factor 1; plus strand). Cytogenetic location: 1p34.3.
Variant type: single nucleotide variant.
Coding change: c.21652A>G on transcript NM_001394062.1 (MANE Select); coding-DNA position 21652, A replaced by G.
Protein change: p.Thr7218Ala; replaces threonine 7218 with alanine.
Molecular consequence: missense variant.
Genome position (GRCh38, 1-based): chr1:39,462,011, A>G. VCF-style: chr1-39462011-A-G. GRCh37 (hg19) VCF-style: chr1-39927683-A-G.
Other names: c.9730A>G, p.Thr3244Ala (NM_001397473.1); c.15475A>G, p.Thr5159Ala (NM_012090.5); short protein forms T5159A, T7218A, T3244A.
Identifiers: ClinVar variation 4761611 (VCV004761611.1).

ClinVar aggregate classification (germline): Uncertain significance (1 of 4 stars; one submission).

Submission:

Labcorp Genetics (formerly Invitae), Labcorp
Classification: Uncertain significance. Last evaluated: 2025-02-20. Review status: criteria provided, single submitter. Criteria: Invitae Variant Classification Sherloc (09022015). Collection method: clinical testing. Allele origin: germline.
Comment: This sequence change replaces threonine, which is neutral and polar, with alanine, which is neutral and non-polar, at codon 5159 of the MACF1 protein (p.Thr5159Ala). This variant is not present in population databases (gnomAD no frequency). This variant has not been reported in the literature in individuals affected with MACF1-related conditions. An algorithm developed to predict the effect of missense changes on protein structure and function (PolyPhen-2) suggests that this variant is likely to be disruptive. In summary, the available evidence is currently insufficient to determine the role of this variant in disease. Therefore, it has been classified as a Variant of Uncertain Significance.